The following is an entry in ClinVar:

ClinVar aggregate classification (germline): Likely benign (1 of 4 stars; one submission).

Conditions:
3-hydroxy-3-methylglutaryl-CoA synthase deficiency (HMGCS2D). Also called: MITOCHONDRIAL HMG-CoA SYNTHASE DEFICIENCY; HMG-CoA synthase-2 deficiency; HMGCS2 DEFICIENCY. Identifiers: Orphanet 35701, MedGen C2751532, MONDO:0011614, OMIM 605911.

Allele frequency attached by ClinVar (database versions not stated): 1000 Genomes Project 0.00140; 1000 Genomes Project 30x 0.00141; TOPMed 0.00169; gnomAD 0.00184 and 0.00190.

Submission:

Illumina Laboratory Services, Illumina
Classification: Likely benign for 3-hydroxy-3-methylglutaryl-CoA synthase deficiency. Last evaluated: 2018-01-13. Review status: criteria provided, single submitter. Criteria: ICSL Variant Classification Criteria 13 December 2019. Collection method: clinical testing. Allele origin: germline.
Comment: This variant was observed in the ICSL laboratory as part of a predisposition screen in an ostensibly healthy population. It had not been previously curated by ICSL or reported in the Human Gene Mutation Database (HGMD: prior to June 1st, 2018), and was therefore a candidate for classification through an automated scoring system. Utilizing variant allele frequency, disease prevalence and penetrance estimates, and inheritance mode, an automated score was calculated to assess if this variant is too frequent to cause the disease. Based on the score and internal cut-off values, a variant classified as likely benign is not then subjected to further curation. The score for this variant resulted in a classification of likely benign for this disease.

NM_005518.4(HMGCS2):c.*78A>G

Gene: HMGCS2 (3-hydroxy-3-methylglutaryl-CoA synthase 2; minus strand). Cytogenetic location: 1p12.
Variant type: single nucleotide variant.
Coding change: c.*78A>G on transcript NM_005518.4 (MANE Select); 78 bases downstream of the stop codon, A replaced by G.
Molecular consequence: 3 prime UTR variant.
Genome position (GRCh38, 1-based): chr1:119,748,769, T>C on the plus strand (A>G on the coding strand, the complement: HMGCS2 is on the minus strand). VCF-style: chr1-119748769-T-C. GRCh37 (hg19) VCF-style: chr1-120291392-T-C.
Other names: c.*78A>G (NM_001166107.1).
Identifiers: ClinVar variation 292325 (VCV000292325.5), dbSNP rs143718202, ClinGen allele CA10607534.